The following is an entry in ClinVar:

NM_000146.4(FTL):c.-150C>A

Gene: FTL (ferritin light chain; plus strand). Cytogenetic location: 19q13.33.
Variant type: single nucleotide variant.
Coding change: c.-150C>A on transcript NM_000146.4 (MANE Select); 150 bases upstream of the start codon, C replaced by A.
Molecular consequence: 5 prime UTR variant.
Genome position (GRCh38, 1-based): chr19:48,965,358, C>A. VCF-style: chr19-48965358-C-A. GRCh37 (hg19) VCF-style: chr19-49468615-C-A.
Identifiers: ClinVar variation 1686694 (VCV001686694.15), dbSNP rs2038438612, ClinGen allele CA2573156631.

ClinVar aggregate classification (germline): Pathogenic/Likely pathogenic. Review status: criteria provided, multiple submitters, no conflicts (2 of 4 stars). 3 submissions from 3 submitters: Pathogenic (2); Likely pathogenic (1). Last evaluated 2025-11-15.

Conditions:
Neuroferritinopathy (NBIA3). Also called: NEURODEGENERATION WITH BRAIN IRON ACCUMULATION 3; BASAL GANGLIA DISEASE, ADULT-ONSET. Identifiers: Orphanet 157846, MedGen C1853578, MONDO:0011638, OMIM 606159.
Hereditary hyperferritinemia with congenital cataracts. Also called: Hereditary hyperferritinemia cataract syndrome; Bonneau-Beaumont syndrome; HYPERFERRITINEMIA WITH OR WITHOUT CATARACT. Identifiers: Orphanet 163, MedGen C1833213, MONDO:0010952, OMIM 600886.

Submissions (3):

Labcorp Genetics (formerly Invitae), Labcorp
Classification: Pathogenic for Neuroferritinopathy; Hereditary hyperferritinemia with congenital cataracts. Last evaluated: 2025-11-15. Review status: criteria provided, single submitter. Criteria: Invitae Variant Classification Sherloc (09022015). Collection method: clinical testing. Allele origin: germline.
Comment: This variant occurs in a non-coding region of the FTL gene. It does not change the encoded amino acid sequence of the FTL protein. This variant is not present in population databases (gnomAD no frequency). This variant has been observed in individual(s) with hyperferritinemia and cataract syndrome (PMID: 18710380). It has also been observed to segregate with disease in related individuals. This variant is also known as C50A. ClinVar contains an entry for this variant (Variation ID: 1686694). For these reasons, this variant has been classified as Pathogenic.

CeGaT Center for Human Genetics Tuebingen
Classification: Pathogenic. Last evaluated: 2025-07-01. Review status: criteria provided, single submitter. Criteria: CeGaT Center For Human Genetics Tuebingen Variant Classification Criteria Version 2. Collection method: clinical testing. Allele origin: germline. Affected: yes. Observed: 1 variant allele.
Comment: FTL: PP1:Strong, PM2, PP4:Moderate, PS4:Moderate

GeneDx
Classification: Likely pathogenic. Last evaluated: 2022-02-07. Review status: criteria provided, single submitter. Criteria: GeneDx Variant Classification Process June 2021. Collection method: clinical testing. Allele origin: germline. Affected: yes.
Comment: No data available from control populations to assess the frequency of this variant; Also known as 50C>A; This variant is associated with the following publications: (PMID: 34789084, 18710380, 34064225)

Literature cited by the submitters: PubMed 18710380 (cited by Labcorp Genetics (formerly Invitae), Labcorp).